The following is an entry in ClinVar:

ClinVar aggregate classification (germline): Uncertain significance. Review status: criteria provided, multiple submitters, no conflicts (2 of 4 stars). 2 submissions from 2 submitters: Uncertain significance (2). Last evaluated 2020-07-17.

Conditions:
Phelan-McDermid syndrome. Also called: TELOMERIC 22q13 MONOSOMY SYNDROME; 22q13.3 deletion syndrome; Phelan-McDermid Syndrome-SHANK3 Related. Identifiers: Orphanet 48652, MedGen C1853490, MONDO:0011652, OMIM 606232.

Allele frequency attached by ClinVar (database versions not stated): TOPMed below 0.00001.

Submissions (2):

New York Genome Center
Classification: Uncertain significance for Phelan-McDermid syndrome. Last evaluated: 2020-07-17. Review status: criteria provided, single submitter. Criteria: NYGC Assertion Criteria 2020. Collection method: clinical testing. Allele origin: germline. Observed: 1 heterozygote. Study: CSER-NYCKidSeq.
Comment: The heterozygous p.Ala1001Thr variant identified in the SHANK3 gene has not been reported in affected individuals in the literature to the best of our knowledge. The variant has been reported in ClinVar database as a variant of uncertain significance [Variation ID:546516]. The variant is absent from the gnomAD database indicating it is an extremely rare allele in the general population. The affected residue is weakly conserved. In silico prediction tools provide conflicting interpretations about potential pathogenicity of this variant. Based on the current evidence, the p.Ala1001Thr variant in the SHANK3 gene is assessed as a variant of uncertain significance.

GeneDx
Classification: Uncertain significance. Last evaluated: 2018-05-29. Review status: criteria provided, single submitter. Criteria: GeneDx Variant Classification (06012015). Collection method: clinical testing. Allele origin: germline. Affected: yes.
Comment: The A1001T variant has not been published as a pathogenic variant, nor has it been reported as a benign variant to our knowledge. The A1001T variant is not observed in large population cohorts (Lek et al., 2016). The A1001T variant is a non-conservative amino acid substitution, which is likely to impact secondary protein structure as these residues differ in polarity, charge, size and/or other properties. However, in-silico analyses, including protein predictors and evolutionary conservation, support that this variant does not alter protein structure/function. Therefore, based on the currently available information, it is unclear whether this variant is a pathogenic variant or a rare benign variant.

NM_001372044.2(SHANK3):c.3226G>A (p.Ala1076Thr)

Gene: SHANK3 (SH3 and multiple ankyrin repeat domains 3; plus strand). Cytogenetic location: 22q13.33.
Variant type: single nucleotide variant.
Coding change: c.3226G>A on transcript NM_001372044.2 (MANE Select); coding-DNA position 3226, G replaced by A.
Protein change: p.Ala1076Thr; replaces alanine 1076 with threonine.
Molecular consequence: missense variant.
Genome position (GRCh38, 1-based): chr22:50,720,834, G>A. VCF-style: chr22-50720834-G-A. GRCh37 (hg19) VCF-style: chr22-51159262-G-A.
Other names: c.3001G>A, p.Ala1001Thr (NM_033517.1); short protein forms A1001T, A1076T.
Identifiers: ClinVar variation 546516 (VCV000546516.3), dbSNP rs1555910078, ClinGen allele CA515260425.